The following is an entry in ClinVar:

ClinVar aggregate classification (germline): Uncertain significance. Review status: criteria provided, multiple submitters, no conflicts (2 of 4 stars). 2 submissions from 2 submitters: Uncertain significance (2). Last evaluated 2025-10-30.

Conditions:
Inborn genetic diseases. Identifiers: MedGen C0950123, MeSH D030342.

Allele frequency attached by ClinVar (database versions not stated): gnomAD exomes 0.00001 and 0.00002; TOPMed 0.00001; gnomAD 0.00002; ExAC 0.00003.
gnomAD v4.1: 23 of 1,613,978 alleles (0.0014%); highest among the groups gnomAD compares: East Asian, 0.0067%; no homozygotes.

Submissions (2):

Ambry Genetics
Classification: Uncertain significance for Inborn genetic diseases. Last evaluated: 2025-10-30. Review status: criteria provided, single submitter. Criteria: Ambry Variant Classification Scheme 2023. Collection method: clinical testing. Allele origin: germline.

Labcorp Genetics (formerly Invitae), Labcorp
Classification: Uncertain significance. Last evaluated: 2025-05-05. Review status: criteria provided, single submitter. Criteria: Invitae Variant Classification Sherloc (09022015). Collection method: clinical testing. Allele origin: germline.
Comment: This sequence change replaces arginine, which is basic and polar, with cysteine, which is neutral and slightly polar, at codon 199 of the SEPSECS protein (p.Arg199Cys). This variant is present in population databases (rs753799069, gnomAD 0.006%). This variant has not been reported in the literature in individuals affected with SEPSECS-related conditions. ClinVar contains an entry for this variant (Variation ID: 1447903). Invitae Evidence Modeling of protein sequence and biophysical properties (such as structural, functional, and spatial information, amino acid conservation, physicochemical variation, residue mobility, and thermodynamic stability) indicates that this missense variant is not expected to disrupt SEPSECS protein function with a negative predictive value of 80%. In summary, the available evidence is currently insufficient to determine the role of this variant in disease. Therefore, it has been classified as a Variant of Uncertain Significance.

NM_016955.4(SEPSECS):c.595C>T (p.Arg199Cys)

Gene: SEPSECS (Sep (O-phosphoserine) tRNA:Sec (selenocysteine) tRNA synthase; minus strand). Cytogenetic location: 4p15.2.
Variant type: single nucleotide variant.
Coding change: c.595C>T on transcript NM_016955.4 (MANE Select); coding-DNA position 595, C replaced by T.
Protein change: p.Arg199Cys; replaces arginine 199 with cysteine.
Molecular consequence: missense variant.
Genome position (GRCh38, 1-based): chr4:25,155,104, G>A on the plus strand (C>T on the coding strand, the complement: SEPSECS is on the minus strand). VCF-style: chr4-25155104-G-A. GRCh37 (hg19) VCF-style: chr4-25156726-G-A.
Other names: c.595C>T (NM_016955.3); short protein forms R199C.
Identifiers: ClinVar variation 1447903 (VCV001447903.5), dbSNP rs753799069, ClinGen allele CA2877395.